The following is an entry in ClinVar:

ClinVar aggregate classification (germline): Uncertain significance (1 of 4 stars; one submission).

Allele frequency attached by ClinVar (database versions not stated): ExAC 0.00001; gnomAD exomes 0.00002; TOPMed 0.00002.

Submission:

Labcorp Genetics (formerly Invitae), Labcorp
Classification: Uncertain significance. Last evaluated: 2023-07-29. Review status: criteria provided, single submitter. Criteria: Invitae Variant Classification Sherloc (09022015). Collection method: clinical testing. Allele origin: germline.
Comment: This sequence change replaces valine, which is neutral and non-polar, with isoleucine, which is neutral and non-polar, at codon 210 of the GPR45 protein (p.Val210Ile). This variant is present in population databases (rs747405939, gnomAD 0.01%). This variant has not been reported in the literature in individuals affected with GPR45-related conditions. ClinVar contains an entry for this variant (Variation ID: 1978876). Algorithms developed to predict the effect of missense changes on protein structure and function output the following: SIFT: "Not Available"; PolyPhen-2: "Benign"; Align-GVGD: "Not Available". The isoleucine amino acid residue is found in multiple mammalian species, which suggests that this missense change does not adversely affect protein function. In summary, the available evidence is currently insufficient to determine the role of this variant in disease. Therefore, it has been classified as a Variant of Uncertain Significance.

NM_007227.3(GPR45):c.628G>A (p.Val210Ile)

Gene: GPR45 (G protein-coupled receptor 45; plus strand). Cytogenetic location: 2q12.1.
Variant type: single nucleotide variant.
Coding change: c.628G>A on transcript NM_007227.3 (MANE Select); coding-DNA position 628, G replaced by A.
Protein change: p.Val210Ile; replaces valine 210 with isoleucine.
Molecular consequence: missense variant.
Genome position (GRCh38, 1-based): chr2:105,242,486, G>A. VCF-style: chr2-105242486-G-A. GRCh37 (hg19) VCF-style: chr2-105858943-G-A.
Other names: short protein forms V210I.
Identifiers: ClinVar variation 1978876 (VCV001978876.4), dbSNP rs747405939, ClinGen allele CA1813627.
Genomic context (GRCh38, chr2:105,242,486, plus strand): 5'-CCCGCTGACCGCGCCTACGTGGTCACCTTGGTGGTGGCCGTGTTCTTCGCGCCCTTTGGC[G>A]TCATGCTGTGCGCCTACATGTGCATCCTCAACACGGTCCGCAAGAACGCCGTGCGCGTGC-3'
Protein context (NP_009158.3, residues 200-220): VVAVFFAPFG[Val210Ile]MLCAYMCILN